The following is an entry in ClinVar:

NM_000287.4(PEX6):c.2814_2816delinsAGA (p.Pro939Glu)

Gene: PEX6 (peroxisomal biogenesis factor 6; minus strand). Cytogenetic location: 6p21.1.
Variant type: Indel.
Coding change: c.2814_2816delinsAGA on transcript NM_000287.4 (MANE Select); coding-DNA positions 2814 to 2816, GCC replaced by AGA.
Protein change: p.Pro939Glu; replaces proline 939 with glutamic acid.
Molecular consequence: missense variant. On other transcripts: non-coding transcript variant (1).
Genome position (GRCh38, 1-based): chr6:42,964,462-42,964,464, GGC replaced by TCT on the plus strand (GCC replaced by AGA on the coding strand, the reverse complement: PEX6 is on the minus strand). VCF-style: chr6-42964462-GGC-TCT. GRCh37 (hg19) VCF-style: chr6-42932200-GGC-TCT.
Other names: c.2550_2552delinsAGA, p.Pro851Glu (NM_001316313.2); short protein forms P939E, P851E.
Identifiers: ClinVar variation 2063024 (VCV002063024.4), dbSNP rs386700658, ClinGen allele CA2580074549.

ClinVar aggregate classification (germline): Uncertain significance (1 of 4 stars; one submission).

Conditions:
Peroxisome biogenesis disorder. Identifiers: Orphanet 79189, MedGen C1832200, MONDO:0019234. Disease mechanism: loss of function.

Submission:

Labcorp Genetics (formerly Invitae), Labcorp
Classification: Uncertain significance for Peroxisome biogenesis disorder. Last evaluated: 2023-11-01. Review status: criteria provided, single submitter. Criteria: Invitae Variant Classification Sherloc (09022015). Collection method: clinical testing. Allele origin: germline.
Comment: This sequence change replaces proline, which is neutral and non-polar, with glutamic acid, which is acidic and polar, at codon 939 of the PEX6 protein (p.Pro939Glu). Information on the frequency of this variant in the gnomAD database is not available, as this variant may be reported differently in the database. This variant has not been reported in the literature in individuals affected with PEX6-related conditions. ClinVar contains an entry for this variant (Variation ID: 2063024). Experimental studies and prediction algorithms are not available or were not evaluated, and the functional significance of this variant is currently unknown. In summary, the available evidence is currently insufficient to determine the role of this variant in disease. Therefore, it has been classified as a Variant of Uncertain Significance.